The following is an entry in ClinVar:

NM_001458.5(FLNC):c.3899C>G (p.Thr1300Arg)

Gene: FLNC (filamin C; plus strand). Cytogenetic location: 7q32.1.
Variant type: single nucleotide variant.
Coding change: c.3899C>G on transcript NM_001458.5 (MANE Select); coding-DNA position 3899, C replaced by G.
Protein change: p.Thr1300Arg; replaces threonine 1300 with arginine.
Molecular consequence: missense variant.
Genome position (GRCh38, 1-based): chr7:128,846,098, C>G. VCF-style: chr7-128846098-C-G. GRCh37 (hg19) VCF-style: chr7-128486152-C-G.
Other names: c.3899C>G, p.Thr1300Arg (NM_001127487.2); short protein forms T1300R.
Identifiers: ClinVar variation 4258282 (VCV004258282.1).

ClinVar aggregate classification (germline): Uncertain significance (1 of 4 stars; one submission).

Conditions:
Cardiovascular phenotype. Identifiers: MedGen CN230736.

Submission:

Ambry Genetics
Classification: Uncertain significance for Cardiovascular phenotype. Last evaluated: 2025-07-24. Review status: criteria provided, single submitter. Criteria: Ambry Variant Classification Scheme 2023. Collection method: clinical testing. Allele origin: germline.
Comment: The p.T1300R variant (also known as c.3899C>G), located in coding exon 22 of the FLNC gene, results from a C to G substitution at nucleotide position 3899. The threonine at codon 1300 is replaced by arginine, an amino acid with similar properties. This amino acid position is conserved. In addition, this alteration is predicted to be deleterious by in silico analysis. Based on the available evidence, the clinical significance of this variant remains unclear.